The following is an entry in ClinVar:

ClinVar aggregate classification (germline): Uncertain significance (1 of 4 stars; one submission).

Conditions:
Spastic paraplegia. Identifiers: MedGen C0037772, HP:0001258.

Submission:

Labcorp Genetics (formerly Invitae), Labcorp
Classification: Uncertain significance for Spastic paraplegia. Last evaluated: 2023-04-28. Review status: criteria provided, single submitter. Criteria: Invitae Variant Classification Sherloc (09022015). Collection method: clinical testing. Allele origin: germline.
Comment: In summary, the available evidence is currently insufficient to determine the role of this variant in disease. Therefore, it has been classified as a Variant of Uncertain Significance. Advanced modeling of protein sequence and biophysical properties (such as structural, functional, and spatial information, amino acid conservation, physicochemical variation, residue mobility, and thermodynamic stability) has been performed at Invitae for this missense variant, however the output from this modeling did not meet the statistical confidence thresholds required to predict the impact of this variant on KIF5A protein function. This variant has not been reported in the literature in individuals affected with KIF5A-related conditions. This variant is not present in population databases (gnomAD no frequency). This sequence change replaces glutamic acid, which is acidic and polar, with aspartic acid, which is acidic and polar, at codon 158 of the KIF5A protein (p.Glu158Asp).

NM_004984.4(KIF5A):c.474G>T (p.Glu158Asp)

Gene: KIF5A (kinesin family member 5A; plus strand). Cytogenetic location: 12q13.3.
Variant type: single nucleotide variant.
Coding change: c.474G>T on transcript NM_004984.4 (MANE Select); coding-DNA position 474, G replaced by T.
Protein change: p.Glu158Asp; replaces glutamic acid 158 with aspartic acid.
Molecular consequence: missense variant.
Genome position (GRCh38, 1-based): chr12:57,564,946, G>T. VCF-style: chr12-57564946-G-T. GRCh37 (hg19) VCF-style: chr12-57958729-G-T.
Other names: c.207G>T, p.Glu69Asp (NM_001354705.2); short protein forms E158D, E69D.
Identifiers: ClinVar variation 2860130 (VCV002860130.3), dbSNP rs2540494858, ClinGen allele CA385495836.